The following is an entry in ClinVar:

NM_000059.4(BRCA2):c.2239G>C (p.Glu747Gln)

Gene: BRCA2 (BRCA2 DNA repair associated; plus strand). Cytogenetic location: 13q13.1.
Variant type: single nucleotide variant.
Coding change: c.2239G>C on transcript NM_000059.4 (MANE Select); coding-DNA position 2239, G replaced by C.
Protein change: p.Glu747Gln; replaces glutamic acid 747 with glutamine.
Molecular consequence: missense variant. On other transcripts: non-coding transcript variant (1), intron variant (2).
Genome position (GRCh38, 1-based): chr13:32,336,594, G>C. VCF-style: chr13-32336594-G-C. GRCh37 (hg19) VCF-style: chr13-32910731-G-C.
Other names: c.2239G>C, p.Glu747Gln (NM_001406719.1, NM_001406720.1); c.1909+3207G>C (NM_001406721.1); c.424+5564G>C (NM_001406722.1); short protein forms E747Q.
Identifiers: ClinVar variation 2854111 (VCV002854111.3), dbSNP rs878853561, ClinGen allele CA387770810.
Genomic context (GRCh38, chr13:32,336,594, plus strand): 5'-TCAGATATAAAAGAAGAGGTCTTGGCTGCAGCATGTCACCCAGTACAACATTCAAAAGTG[G>C]AATACAGTGATACTGACTTTCAATCCCAGAAAAGTCTTTTATATGATCATGAAAATGCCA-3'
Protein context (NP_000050.3, residues 737-757): ACHPVQHSKV[Glu747Gln]YSDTDFQSQK

ClinVar aggregate classification (germline): Uncertain significance (1 of 4 stars; one submission).

Conditions:
Hereditary breast ovarian cancer syndrome. Also called: Hereditary breast and ovarian cancer syndrome (HBOC); Hereditary breast and ovarian cancer syndrome; Hereditary breast and/or ovarian cancer syndrome; Hereditary breast and ovarian cancer; Breast and ovarian cancer; BRCA1- and BRCA2-Associated Hereditary Breast and Ovarian Cancer. Identifiers: Orphanet 145, MedGen C0677776, MeSH D061325, MONDO:0003582. Disease mechanism: loss of function.

Submission:

Labcorp Genetics (formerly Invitae), Labcorp
Classification: Uncertain significance for Hereditary breast ovarian cancer syndrome. Last evaluated: 2023-11-03. Review status: criteria provided, single submitter. Criteria: Invitae Variant Classification Sherloc (09022015). Collection method: clinical testing. Allele origin: germline.
Comment: This sequence change replaces glutamic acid, which is acidic and polar, with glutamine, which is neutral and polar, at codon 747 of the BRCA2 protein (p.Glu747Gln). This variant is not present in population databases (gnomAD no frequency). This variant has not been reported in the literature in individuals affected with BRCA2-related conditions. Advanced modeling of protein sequence and biophysical properties (such as structural, functional, and spatial information, amino acid conservation, physicochemical variation, residue mobility, and thermodynamic stability) performed at Invitae indicates that this missense variant is not expected to disrupt BRCA2 protein function with a negative predictive value of 95%. In summary, the available evidence is currently insufficient to determine the role of this variant in disease. Therefore, it has been classified as a Variant of Uncertain Significance.